The following is an entry in ClinVar:

NM_001042492.3(NF1):c.3600_3609del (p.Leu1201fs)

Gene: NF1 (neurofibromin 1; plus strand). Cytogenetic location: 17q11.2.
Variant type: Deletion.
Coding change: c.3600_3609del on transcript NM_001042492.3 (MANE Select); coding-DNA positions 3600 to 3609, 10 bases deleted (ATTGGCTGAT; older notation c.3600_3609delATTGGCTGAT).
Protein change: p.Leu1201fs; shifts the reading frame from leucine 1201.
Molecular consequence: frameshift variant.
Genome position (GRCh38, 1-based): chr17:31,233,105-31,233,114, ATTGGCTGAT deleted; deleting any 10 consecutive bases within chr17:31,233,104-31,233,114 gives the same sequence; the c. name uses the placement nearest the transcript's 3' end. VCF-style (leftmost placement, unchanged base first): chr17-31233103-GTATTGGCTGA-G. GRCh37 (hg19) VCF-style: chr17-29560121-GTATTGGCTGA-G.
Other names: c.3600_3609delATTGGCTGAT, p.Leu1201Glyfs (NM_000267.4); short protein forms L1201fs.
Identifiers: ClinVar variation 1075971 (VCV001075971.5), dbSNP rs2151435556, ClinGen allele CA2499224105.

ClinVar aggregate classification (germline): Pathogenic (1 of 4 stars; one submission).

Conditions:
Neurofibromatosis, type 1 (NF1). Also called: VON RECKLINGHAUSEN DISEASE; Peripheral type neurofibromatosis; NEUROFIBROMATOSIS, TYPE I, SOMATIC; Neurofibromatosis, type I. Identifiers: Orphanet 636, MedGen C0027831, MONDO:0018975, OMIM 162200. Disease mechanism: loss of function.

Submission:

Labcorp Genetics (formerly Invitae), Labcorp
Classification: Pathogenic for Neurofibromatosis, type 1. Last evaluated: 2024-04-23. Review status: criteria provided, single submitter. Criteria: Invitae Variant Classification Sherloc (09022015). Collection method: clinical testing. Allele origin: germline.
Comment: This sequence change creates a premature translational stop signal (p.Leu1201Glyfs*11) in the NF1 gene. It is expected to result in an absent or disrupted protein product. Loss-of-function variants in NF1 are known to be pathogenic (PMID: 10712197, 23913538). This variant is not present in population databases (gnomAD no frequency). This variant has not been reported in the literature in individuals affected with NF1-related conditions. ClinVar contains an entry for this variant (Variation ID: 1075971). For these reasons, this variant has been classified as Pathogenic.

Literature cited by the submitters: PubMed 10712197; PubMed 23913538.